The following is an entry in ClinVar:

NM_020778.5(ALPK3):c.4723+16G>A

Gene: ALPK3 (alpha kinase 3; plus strand). Cytogenetic location: 15q25.3.
Variant type: single nucleotide variant.
Coding change: c.4723+16G>A on transcript NM_020778.5 (MANE Select); 16 bases into the intron after coding-DNA position 4723, G replaced by A.
Molecular consequence: intron variant.
Genome position (GRCh38, 1-based): chr15:84,864,681, G>A. VCF-style: chr15-84864681-G-A. GRCh37 (hg19) VCF-style: chr15-85407912-G-A.
Identifiers: ClinVar variation 671636 (VCV000671636.5), dbSNP rs1299509017, ClinGen allele CA619855335.

ClinVar aggregate classification (germline): Likely benign. Review status: criteria provided, multiple submitters, no conflicts (2 of 4 stars). 2 submissions from 2 submitters: Likely benign (2). Last evaluated 2025-03-26.

Allele frequency attached by ClinVar (database versions not stated): gnomAD below 0.00001 and 0.00001; gnomAD exomes below 0.00001 and 0.00001.
gnomAD v4.1: 15 of 1,611,120 alleles (0.00093%); highest among the groups gnomAD compares: South Asian, 0.016%; no homozygotes.

Submissions (2):

Labcorp Genetics (formerly Invitae), Labcorp
Classification: Likely benign. Last evaluated: 2025-03-26. Review status: criteria provided, single submitter. Criteria: Invitae Variant Classification Sherloc (09022015). Collection method: clinical testing. Allele origin: germline.

GeneDx
Classification: Likely benign. Last evaluated: 2018-06-11. Review status: criteria provided, single submitter. Criteria: GeneDx Variant Classification (06012015). Collection method: clinical testing. Allele origin: germline. Affected: yes.
Comment: This variant is considered likely benign or benign based on one or more of the following criteria: it is a conservative change, it occurs at a poorly conserved position in the protein, it is predicted to be benign by multiple in silico algorithms, and/or has population frequency not consistent with disease.